The following is an entry in ClinVar:

ClinVar aggregate classification (germline): Uncertain significance. Review status: criteria provided, multiple submitters, no conflicts (2 of 4 stars). 3 submissions from 3 submitters: Uncertain significance (3). Last evaluated 2021-10-24.

Conditions:
Cardiovascular phenotype. Identifiers: MedGen CN230736.
Cardiomyopathy (CMYO). Also called: Cardiomyopathies. Identifiers: Orphanet 167848, MedGen C0878544, MONDO:0004994, HP:0001638. Inheritance: Various modes of inheritance.
Arrhythmogenic right ventricular dysplasia 5. Also called: Arrhythmogenic Right Ventricular Dysplasia/Cardiomyopathy 5; ARRHYTHMOGENIC RIGHT VENTRICULAR DYSPLASIA, FAMILIAL, 5. Identifiers: MedGen C1858379, MONDO:0011459, OMIM 604400.

Allele frequency attached by ClinVar (database versions not stated): 1000 Genomes Project 30x 0.00016; 1000 Genomes Project 0.00020; gnomAD exomes below 0.00001 and 0.00001; gnomAD 0.00001; ExAC 0.00002.
gnomAD v4.1: 6 of 1,613,842 alleles (0.00037%); highest among the groups gnomAD compares: East Asian, 0.013%; no homozygotes.

Submissions (3):

Labcorp Genetics (formerly Invitae), Labcorp
Classification: Uncertain significance for Arrhythmogenic right ventricular dysplasia 5. Last evaluated: 2021-10-24. Review status: criteria provided, single submitter. Criteria: Invitae Variant Classification Sherloc (09022015). Collection method: clinical testing. Allele origin: germline.
Comment: This sequence change replaces leucine, which is neutral and non-polar, with phenylalanine, which is neutral and non-polar, at codon 70 of the TMEM43 protein (p.Leu70Phe). This variant is present in population databases (rs577359875, gnomAD 0.02%). This variant has not been reported in the literature in individuals affected with TMEM43-related conditions. ClinVar contains an entry for this variant (Variation ID: 921275). Algorithms developed to predict the effect of missense changes on protein structure and function (SIFT, PolyPhen-2, Align-GVGD) all suggest that this variant is likely to be tolerated. In summary, the available evidence is currently insufficient to determine the role of this variant in disease. Therefore, it has been classified as a Variant of Uncertain Significance.

Ambry Genetics
Classification: Uncertain significance for Cardiovascular phenotype. Last evaluated: 2020-09-08. Review status: criteria provided, single submitter. Criteria: Ambry Variant Classification Scheme 2023. Collection method: clinical testing. Allele origin: germline.
Comment: The p.L70F variant (also known as c.208C>T), located in coding exon 3 of the TMEM43 gene, results from a C to T substitution at nucleotide position 208. The leucine at codon 70 is replaced by phenylalanine, an amino acid with highly similar properties. This amino acid position is well conserved in available vertebrate species. In addition, this alteration is predicted to be tolerated by in silico analysis. Since supporting evidence is limited at this time, the clinical significance of this alteration remains unclear.

Color Diagnostics, LLC DBA Color Health
Classification: Uncertain significance for Cardiomyopathy. Last evaluated: 2019-08-08. Review status: criteria provided, single submitter. Criteria: ACMG Guidelines, 2015. Collection method: clinical testing. Allele origin: germline.
Comment: Variant of Uncertain Significance due to insufficient evidence: This missense variant is located in the cytoplasmic domain of the TMEM43 protein. Computational prediction tools and conservation analyses are inconclusive regarding the impact of this variant on the protein function. Computational splicing tools suggest that this variant may not impact the RNA splicing. To our knowledge, functional assays have not been performed for this variant nor has this variant been reported in individuals affected with cardiovascular disorders in the literature. This variant has been identified in 4/18864 East Asian chromosomes by the Genome Aggregation Database (gnomAD). Available evidence is insufficient to determine the pathogenicity of this variant conclusively.

NM_024334.3(TMEM43):c.208C>T (p.Leu70Phe)

Gene: TMEM43 (transmembrane protein 43; plus strand). Cytogenetic location: 3p25.1.
Variant type: single nucleotide variant.
Coding change: c.208C>T on transcript NM_024334.3 (MANE Select); coding-DNA position 208, C replaced by T.
Protein change: p.Leu70Phe; replaces leucine 70 with phenylalanine.
Molecular consequence: missense variant.
Genome position (GRCh38, 1-based): chr3:14,130,867, C>T. VCF-style: chr3-14130867-C-T. GRCh37 (hg19) VCF-style: chr3-14172367-C-T.
Other names: short protein forms L70F.
Identifiers: ClinVar variation 921275 (VCV000921275.8), dbSNP rs577359875, ClinGen allele CA052202.